The following is an entry in ClinVar:

NM_001162501.2(TNRC6B):c.640A>G (p.Asn214Asp)

Gene: TNRC6B (trinucleotide repeat containing adaptor 6B; plus strand). Cytogenetic location: 22q13.1.
Variant type: single nucleotide variant.
Coding change: c.640A>G on transcript NM_001162501.2 (MANE Select); coding-DNA position 640, A replaced by G.
Protein change: p.Asn214Asp; replaces asparagine 214 with aspartic acid.
Molecular consequence: missense variant. On other transcripts: intron variant (1).
Genome position (GRCh38, 1-based): chr22:40,264,870, A>G. VCF-style: chr22-40264870-A-G. GRCh37 (hg19) VCF-style: chr22-40660874-A-G.
Other names: c.640A>G, p.Asn214Asp (NM_015088.3); c.565+2697A>G (NM_001024843.2); short protein forms N214D.
Identifiers: ClinVar variation 2497995 (VCV002497995.1), dbSNP rs2070450968, ClinGen allele CA411627317.
Genomic context (GRCh38, chr22:40,264,870, plus strand): 5'-GGGTCTGACATGGAAGAGTGGCCTTGTATTGCCAGCAAAGACACTGAATCTTCTTCCGAA[A>G]ACACCACCGATAACAACAGTGCCTCGAACCCTGGCTCTGAGAAGAGCACTCTGCCAGGAA-3'
Protein context (NP_001155973.1, residues 204-224): ASKDTESSSE[Asn214Asp]TTDNNSASNP

ClinVar aggregate classification (germline): Uncertain significance (1 of 4 stars; one submission).

Allele frequency attached by ClinVar (database versions not stated): TOPMed below 0.00001; gnomAD 0.00001.
gnomAD v4.1: 2 of 1,613,814 alleles (0.00012%); highest among the groups gnomAD compares: Admixed American, 0.0017%; no homozygotes.

Submission:

GeneDx
Classification: Uncertain significance. Last evaluated: 2022-10-03. Review status: criteria provided, single submitter. Criteria: GeneDx Variant Classification Process June 2021. Collection method: clinical testing. Allele origin: germline. Affected: yes.
Comment: Not observed at significant frequency in large population cohorts (gnomAD); In silico analysis supports that this missense variant does not alter protein structure/function; Has not been previously published as pathogenic or benign to our knowledge